The following is an entry in ClinVar:

ClinVar aggregate classification (germline): Uncertain significance (1 of 4 stars; one submission).

Conditions:
Hereditary cancer-predisposing syndrome. Also called: Hereditary Cancer Syndrome; Hereditary neoplastic syndrome; Neoplastic Syndromes, Hereditary; Tumor predisposition. Identifiers: Orphanet 140162, MedGen C0027672, MeSH D009386, MONDO:0015356.

Submission:

Ambry Genetics
Classification: Uncertain significance for Hereditary cancer-predisposing syndrome. Last evaluated: 2022-07-28. Review status: criteria provided, single submitter. Criteria: Ambry Variant Classification Scheme 2023. Collection method: clinical testing. Allele origin: germline.
Comment: The p.A1436V variant (also known as c.4307C>T), located in coding exon 22 of the DICER1 gene, results from a C to T substitution at nucleotide position 4307. The alanine at codon 1436 is replaced by valine, an amino acid with similar properties. This amino acid position is conserved. In addition, this alteration is predicted to be tolerated by in silico analysis. Since supporting evidence is limited at this time, the clinical significance of this alteration remains unclear.

NM_177438.3(DICER1):c.4307C>T (p.Ala1436Val)

Gene: DICER1 (dicer 1, ribonuclease III; minus strand). Cytogenetic location: 14q32.13.
Variant type: single nucleotide variant.
Coding change: c.4307C>T on transcript NM_177438.3 (MANE Select); coding-DNA position 4307, C replaced by T.
Protein change: p.Ala1436Val; replaces alanine 1436 with valine.
Molecular consequence: missense variant. On other transcripts: non-coding transcript variant (6).
Genome position (GRCh38, 1-based): chr14:95,096,613, G>A on the plus strand (C>T on the coding strand, the complement: DICER1 is on the minus strand). VCF-style: chr14-95096613-G-A. GRCh37 (hg19) VCF-style: chr14-95562950-G-A.
Other names: c.4307C>T, p.Ala1436Val (NM_001195573.1, NM_001271282.3, NM_001291628.2 and 13 more transcripts); c.4025C>T, p.Ala1342Val (NM_001395686.1); c.3902C>T, p.Ala1301Val (NM_001395687.1, NM_001395688.1, NM_001395689.1 and 2 more transcripts); c.3740C>T, p.Ala1247Val (NM_001395691.1); c.2624C>T, p.Ala875Val (NM_001395697.1); short protein forms A1342V, A875V, A1436V, A1247V, A1301V.
Identifiers: ClinVar variation 1739591 (VCV001739591.2), dbSNP rs777127946, ClinGen allele CA390869424.
Genomic context (GRCh38, chr14:95,096,613, plus strand): 5'-ATATTATCTATAAATCTGATATGTTCCTGATCATACTCCAGGAAATCATCTTCATAGTCA[G>A]CCTCTTCCTTCGGAGCCCTCCACATCAGGCTCTCCTCCTCCTCATCCTCCTCCTCGTAAT-3'
Protein context (NP_803187.1, residues 1426-1446): SLMWRAPKEE[Ala1436Val]DYEDDFLEYD